The following is an entry in ClinVar:

NM_020937.4(FANCM):c.622A>C (p.Ile208Leu)

Gene: FANCM (FA complementation group M; plus strand). Cytogenetic location: 14q21.2.
Variant type: single nucleotide variant.
Coding change: c.622A>C on transcript NM_020937.4 (MANE Select); coding-DNA position 622, A replaced by C.
Protein change: p.Ile208Leu; replaces isoleucine 208 with leucine.
Molecular consequence: missense variant.
Genome position (GRCh38, 1-based): chr14:45,137,182, A>C. VCF-style: chr14-45137182-A-C. GRCh37 (hg19) VCF-style: chr14-45606385-A-C.
Other names: c.622A>C, p.Ile208Leu (NM_001308133.2, NM_001308134.2); short protein forms I208L.
Identifiers: ClinVar variation 5036646 (VCV005036646.1).

ClinVar aggregate classification (germline): Uncertain significance (1 of 4 stars; one submission).

Conditions:
Inborn genetic diseases. Identifiers: MedGen C0950123, MeSH D030342.

Submission:

Ambry Genetics
Classification: Uncertain significance for Inborn genetic diseases. Last evaluated: 2026-07-25. Review status: criteria provided, single submitter. Criteria: Ambry Variant Classification Scheme 2023. Collection method: clinical testing. Allele origin: germline.
Comment: The p.I208L variant (also known as c.622A>C), located in coding exon 2 of the FANCM gene, results from an A to C substitution at nucleotide position 622. The isoleucine at codon 208 is replaced by leucine, an amino acid with highly similar properties. This amino acid position is conserved. In addition, this alteration is predicted to be tolerated by in silico analysis. Based on the available evidence, the clinical significance of this variant remains unclear.